The following is an entry in ClinVar:

NM_213599.3(ANO5):c.2377A>T (p.Thr793Ser)

Gene: ANO5 (anoctamin 5; plus strand). Cytogenetic location: 11p14.3.
Variant type: single nucleotide variant.
Coding change: c.2377A>T on transcript NM_213599.3 (MANE Select); coding-DNA position 2377, A replaced by T.
Protein change: p.Thr793Ser; replaces threonine 793 with serine.
Molecular consequence: missense variant.
Genome position (GRCh38, 1-based): chr11:22,274,710, A>T. VCF-style: chr11-22274710-A-T. GRCh37 (hg19) VCF-style: chr11-22296256-A-T.
Other names: c.2374A>T, p.Thr792Ser (NM_001142649.2); short protein forms T792S, T793S.
Identifiers: ClinVar variation 1027094 (VCV001027094.11), dbSNP rs1854767183, ClinGen allele CA379924377.

ClinVar aggregate classification (germline): Uncertain significance (1 of 4 stars; one submission).

Conditions:
Autosomal recessive limb-girdle muscular dystrophy type 2L (LGMDR12). Also called: MUSCULAR DYSTROPHY, LIMB-GIRDLE, AUTOSOMAL RECESSIVE 12; Limb-Girdle Muscular Dystrophy R12 Anoctamin-5-Related (LGMD-R12); Limb-girdle muscular dystrophy, type 2L. Identifiers: Orphanet 206549, MedGen C1969785, MONDO:0012652, OMIM 611307.
Gnathodiaphyseal dysplasia (GDD). Also called: GNATHODIAPHYSEAL SCLEROSIS; OSTEOGENESIS IMPERFECTA WITH UNUSUAL SKELETAL LESIONS. Identifiers: Orphanet 53697, MedGen C1833736, MONDO:0008151, OMIM 166260.

Submission:

Labcorp Genetics (formerly Invitae), Labcorp
Classification: Uncertain significance for Autosomal recessive limb-girdle muscular dystrophy type 2L; Gnathodiaphyseal dysplasia. Last evaluated: 2020-02-14. Review status: criteria provided, single submitter. Criteria: Invitae Variant Classification Sherloc (09022015). Collection method: clinical testing. Allele origin: germline.
Comment: This variant is not present in population databases (ExAC no frequency). This variant has not been reported in the literature in individuals with ANO5-related conditions. Algorithms developed to predict the effect of missense changes on protein structure and function output the following: SIFT: "Tolerated"; PolyPhen-2: "Benign"; Align-GVGD: "Class C0". The serine amino acid residue is found in multiple mammalian species, suggesting that this missense change does not adversely affect protein function. These predictions have not been confirmed by published functional studies and their clinical significance is uncertain. In summary, the available evidence is currently insufficient to determine the role of this variant in disease. Therefore, it has been classified as a Variant of Uncertain Significance. This sequence change replaces threonine with serine at codon 793 of the ANO5 protein (p.Thr793Ser). The threonine residue is weakly conserved and there is a small physicochemical difference between threonine and serine.